The following is an entry in ClinVar:

NM_000051.4(ATM):c.7299_7302del (p.Asn2435fs)

Genes: ATM (ATM serine/threonine kinase; plus strand), C11orf65 (chromosome 11 open reading frame 65; minus strand). Cytogenetic location: 11q22.3.
Variant type: Deletion.
Coding change: c.7299_7302del on transcript NM_000051.4 (MANE Select); coding-DNA positions 7299 to 7302, 4 bases deleted (GACA; older notation c.7299_7302delGACA).
Protein change: p.Asn2435fs; shifts the reading frame from asparagine 2435.
Molecular consequence: frameshift variant. On other transcripts: intron variant (2).
Genome position (GRCh38, 1-based): chr11:108,329,230-108,329,233, GACA deleted; deleting any 4 consecutive bases within chr11:108,329,228-108,329,233 gives the same sequence; the c. name uses the placement nearest the transcript's 3' end. VCF-style (leftmost placement, unchanged base first): chr11-108329227-TCAGA-T. GRCh37 (hg19) VCF-style: chr11-108199954-TCAGA-T.
Other names: c.7299_7302delGACA, p.Asn2435Aspfs (NM_000051.3); c.7299_7302del, p.Asn2435fs (NM_001351834.2); c.641-20160_641-20157del (NM_001330368.2); c.*38+5989_*38+5992del (NM_001351110.2); short protein forms N2435fs.
Identifiers: ClinVar variation 265564 (VCV000265564.17), dbSNP rs886039628, ClinGen allele CA10588509.

ClinVar aggregate classification (germline): Pathogenic/Likely pathogenic. Review status: criteria provided, multiple submitters, no conflicts (2 of 4 stars). 8 submissions from 8 submitters: Pathogenic (6); Likely pathogenic (2). Last evaluated 2026-06-24.

Conditions:
Hereditary cancer-predisposing syndrome. Also called: Neoplastic Syndromes, Hereditary; Hereditary neoplastic syndrome; Tumor predisposition; Hereditary Cancer Syndrome. Identifiers: Orphanet 140162, MedGen C0027672, MeSH D009386, MONDO:0015356.
Familial colorectal cancer type X. Identifiers: Orphanet 440437, MedGen C3896578, MONDO:0018604.
Familial cancer of breast. Also called: hereditary breast carcinoma; Hereditary breast cancer; BREAST CANCER, FAMILIAL. Identifiers: Orphanet 227535, MedGen C0346153, MONDO:0016419, OMIM 114480. Disease mechanism: loss of function.
Ataxia-telangiectasia syndrome (AT). Also called: Ataxia telangiectasia (A-T); Cerebello-oculocutaneous telangiectasia; Immunodeficiency with ataxia telangiectasia; LOUIS-BAR SYNDROME; AT, COMPLEMENTATION GROUP C; ATAXIA-TELANGIECTASIA, FRESNO VARIANT. Identifiers: Orphanet 100, MedGen C0004135, MONDO:0008840, OMIM 208900.

Submissions (8):

Ambry Genetics
Classification: Pathogenic for Hereditary cancer-predisposing syndrome. Last evaluated: 2026-06-24. Review status: criteria provided, single submitter. Criteria: Ambry Variant Classification Scheme 2023. Collection method: clinical testing. Allele origin: germline.
Comment: The c.7299_7302delGACA pathogenic mutation, located in coding exon 48 of the ATM gene, results from a deletion of 4 nucleotides at nucleotide positions 7299 to 7302, causing a translational frameshift with a predicted alternate stop codon (p.N2435Dfs*4). This variant is considered to be rare based on population cohorts in the Genome Aggregation Database (gnomAD). This alteration is expected to result in loss of function by premature protein truncation or nonsense-mediated mRNA decay. As such, this alteration is interpreted as a disease-causing mutation.

Quest Diagnostics Nichols Institute San Juan Capistrano
Classification: Pathogenic. Last evaluated: 2024-04-14. Review status: criteria provided, single submitter. Criteria: Quest Diagnostics criteria. Collection method: clinical testing. Allele origin: unknown.
Comment: The ATM c.7299_7302del (p.Asn2435Aspfs*4) variant alters the translational reading frame of the ATM mRNA and causes the premature termination of ATM protein synthesis. This variant has been reported in the published literature in individuals/families affected with breast cancer (PMIDs: 34250389 (2021), 35017683 (2022)). This variant has not been reported in large, multi-ethnic general populations (Genome Aggregation Database). Based on the available information, this variant is classified as pathogenic.

Fulgent Genetics
Classification: Likely pathogenic for Familial cancer of breast; Ataxia-telangiectasia syndrome. Last evaluated: 2024-03-20. Review status: criteria provided, single submitter. Criteria: ACMG Guidelines, 2015. Collection method: clinical testing. Allele origin: germline.

Myriad Genetics, Inc.
Classification: Pathogenic for Familial cancer of breast. Last evaluated: 2024-01-31. Review status: criteria provided, single submitter. Criteria: Myriad Autosomal Dominant, Autosomal Recessive and X-Linked Classification Criteria (2023). Collection method: clinical testing. Allele origin: unknown.
Comment: This variant is considered pathogenic. This variant creates a frameshift predicted to result in premature protein truncation.

Labcorp Genetics (formerly Invitae), Labcorp
Classification: Pathogenic for Ataxia-telangiectasia syndrome. Last evaluated: 2023-09-06. Review status: criteria provided, single submitter. Criteria: Invitae Variant Classification Sherloc (09022015). Collection method: clinical testing. Allele origin: germline.
Comment: This sequence change creates a premature translational stop signal (p.Asn2435Aspfs*4) in the ATM gene. It is expected to result in an absent or disrupted protein product. Loss-of-function variants in ATM are known to be pathogenic (PMID: 23807571, 25614872). This variant is not present in population databases (gnomAD no frequency). This variant has not been reported in the literature in individuals affected with ATM-related conditions. ClinVar contains an entry for this variant (Variation ID: 265564). For these reasons, this variant has been classified as Pathogenic.

GeneDx
Classification: Pathogenic. Last evaluated: 2023-05-18. Review status: criteria provided, single submitter. Criteria: GeneDx Variant Classification Process June 2021. Collection method: clinical testing. Allele origin: germline. Affected: yes.
Comment: Frameshift variant predicted to result in protein truncation or nonsense mediated decay in a gene for which loss of function is a known mechanism of disease; Not observed at significant frequency in large population cohorts (gnomAD); Truncating variants in this gene are considered pathogenic by a well-established clinical consortium and/or database; Has not been previously published as pathogenic or benign to our knowledge

Baylor Genetics
Classification: Likely pathogenic for Familial cancer of breast. Last evaluated: 2023-04-16. Review status: criteria provided, single submitter. Criteria: ACMG Guidelines, 2015. Collection method: clinical testing. Allele origin: unknown.

Department of Pathology and Laboratory Medicine, Sinai Health System
Classification: Pathogenic for Familial colorectal cancer type X. Last evaluated: 2023-02-13. Review status: criteria provided, single submitter. Criteria: ACMG Guidelines, 2015. Collection method: clinical testing. Allele origin: germline. Affected: yes.

Literature cited by the submitters: PubMed 35017683 (cited by Quest Diagnostics Nichols Institute San Juan Capistrano); PubMed 25614872 (cited by Quest Diagnostics Nichols Institute San Juan Capistrano and Labcorp Genetics (formerly Invitae), Labcorp); PubMed 23807571 (cited by Quest Diagnostics Nichols Institute San Juan Capistrano and Labcorp Genetics (formerly Invitae), Labcorp); PubMed 34250389 (cited by Quest Diagnostics Nichols Institute San Juan Capistrano).